The following is an entry in ClinVar:

ClinVar aggregate classification (germline): Likely pathogenic (1 of 4 stars; one submission).

Conditions:
Hereditary factor VIII deficiency disease (HEMA). Also called: AUTOSOMAL HEMOPHILIA A; Hemophilia A; Hemophilia A, congenital; HEM A; Factor 8 deficiency, congenital; HEMOPHILIA, CLASSIC. Identifiers: Orphanet 98878, MedGen C0019069, MONDO:0010602, OMIM 306700.

Submissions (3):

Neuberg Centre For Genomic Medicine, NCGM
Classification: Likely pathogenic for Hereditary factor VIII deficiency disease. Last evaluated: 2023-05-20. Review status: criteria provided, single submitter. Criteria: ACMG Guidelines, 2015. Collection method: clinical testing. Allele origin: germline. Inheritance: X-linked recessive inheritance. Affected: yes.
Comment: The observed splice donor variant c.5998+1G>T in F8 gene has not been reported previously as a pathogenic variant nor as a benign variant, to our knowledge. The c.5998+1G>T variant is absent in gnomAD Exomes. The variant affects the GT donor splice site downstream of exon 18. Computational evidence (Mutation Taster - Disease causing) predicts damaging effect on protein structure and function for this variant. This variant is predicted to cause loss of normal protein function through protein truncation. Loss of function variants have been previously reported to be disease causing. For these reasons, this variant has been classified as Likely Pathogenic.

Dr. Peter K. Rogan Lab, Western University
No classification provided (evidence only). Condition: Thyroid cancer, nonmedullary, 1. Review status: no classification provided. Collection method: in vitro. Allele origin: not applicable. Functional consequence: retained intron. Not counted in ClinVar's aggregate classification.

Dr. Peter K. Rogan Lab, Western University
No classification provided (evidence only). Condition: Thyroid cancer, nonmedullary, 1. Review status: no classification provided. Collection method: in vitro. Allele origin: not applicable. Functional consequence: retained intron. Not counted in ClinVar's aggregate classification.

NM_000132.4(F8):c.5998+1G>T

Gene: F8 (coagulation factor VIII; minus strand). Cytogenetic location: Xq28.
Variant type: single nucleotide variant.
Coding change: c.5998+1G>T on transcript NM_000132.4 (MANE Select); the canonical splice donor site of the intron after coding-DNA position 5998, G replaced by T.
Molecular consequence: splice donor variant.
Genome position (GRCh38, 1-based): chrX:154,903,905, C>A on the plus strand (G>T on the coding strand, the complement: F8 is on the minus strand). VCF-style: chrX-154903905-C-A. GRCh37 (hg19) VCF-style: chrX-154132180-C-A.
Other names: NC_000023.10:g.154132180C>A.
Identifiers: ClinVar variation 3367152 (VCV003367152.2).
Genomic context (GRCh38, chrX:154,903,905, plus strand): 5'-ATTTAAAGTAAGTACTCAACAAATAGAGTAGGTAGAAGAAAGAGCACAAACAAGCTCATA[C>A]CTGGATAGAGATTGTACAGTGCCATTTTATACTCCTCTTTTTTTCGTACAGTGAACACAT-3'